The following is an entry in ClinVar:

ClinVar aggregate classification (germline): Likely pathogenic (1 of 4 stars; one submission).

Conditions:
LMF1-related disorder. Also called: LMF1-related condition.

Allele frequency attached by ClinVar (database versions not stated): gnomAD exomes below 0.00001; ExAC 0.00002.
gnomAD v4.1: 2 of 1,580,646 alleles (0.00013%); highest among the groups gnomAD compares: Admixed American, 0.0035%; no homozygotes.

Submission:

PreventionGenetics, part of Exact Sciences
Classification: Likely pathogenic for LMF1-related condition. Last evaluated: 2023-03-29. Review status: criteria provided, single submitter. Criteria: ACMG Guidelines, 2015. Collection method: clinical testing. Allele origin: germline.
Comment: The LMF1 c.68C>A variant is predicted to result in premature protein termination (p.Ser23*). To our knowledge, this variant has not been reported in the literature. This variant is reported in 0.0% of alleles in individuals of African descent in gnomAD. Nonsense variants in LMF1 are expected to be pathogenic. This variant is interpreted as likely pathogenic.

NM_022773.4(LMF1):c.68C>A (p.Ser23Ter)

Genes: LMF1 (lipase maturation factor 1; minus strand), LOC130058141 (ATAC-STARR-seq lymphoblastoid silent region 6962; plus strand). Cytogenetic location: 16p13.3.
Variant type: single nucleotide variant.
Coding change: c.68C>A on transcript NM_022773.4 (MANE Select); coding-DNA position 68, C replaced by A.
Protein change: p.Ser23Ter; replaces serine 23 with a stop codon.
Molecular consequence: nonsense. On other transcripts: 5 prime UTR variant (1), non-coding transcript variant (1), intron variant (3).
Genome position (GRCh38, 1-based): chr16:970,913, G>T on the plus strand (C>A on the coding strand, the complement: LMF1 is on the minus strand). VCF-style: chr16-970913-G-T. GRCh37 (hg19) VCF-style: chr16-1020913-G-T.
Other names: c.68C>A, p.Ser23Ter (NM_001352020.1); c.-638C>A (NM_001352021.2); c.-135+10232C>A (NM_001352019.2); c.-611+10232C>A (NM_001352017.2); c.-362+10232C>A (NM_001352018.2); short protein forms S23*.
Identifiers: ClinVar variation 2633536 (VCV002633536.1), dbSNP rs745764691, ClinGen allele CA7797796.